The following is an entry in ClinVar:

ClinVar aggregate classification (germline): Pathogenic. Review status: criteria provided, multiple submitters, no conflicts (2 of 4 stars). 9 submissions from 9 submitters: Pathogenic (9). Last evaluated 2025-10-28.

Conditions:
Cardiovascular phenotype. Identifiers: MedGen CN230736.
Cardiac arrhythmia. Also called: Arrhythmia; Cardiac rhythm disease. Identifiers: MedGen C0003811, MONDO:0007263, HP:0011675.
Familial long QT syndrome (RWS). Also called: Congenital long QT syndrome; Romano-Ward syndrome; VENTRICULAR FIBRILLATION WITH PROLONGED QT INTERVAL. Identifiers: Orphanet 768, MedGen C1141890, MONDO:0019171.
Long QT syndrome (LQTS). Identifiers: MedGen C0023976, MeSH D008133, MONDO:0002442. Disease mechanism: loss of function. Inheritance: Various modes of inheritance.

Submissions (9):

Labcorp Genetics (formerly Invitae), Labcorp
Classification: Pathogenic for Long QT syndrome. Last evaluated: 2025-10-28. Review status: criteria provided, single submitter. Criteria: Invitae Variant Classification Sherloc (09022015). Collection method: clinical testing. Allele origin: germline.
Comment: This sequence change creates a premature translational stop signal (p.Lys196Serfs*41) in the KCNQ1 gene. It is expected to result in an absent or disrupted protein product. Loss-of-function variants in KCNQ1 are known to be pathogenic (PMID: 9323054, 19862833). This variant is not present in population databases (gnomAD no frequency). This premature translational stop signal has been observed in individuals with Jervell and Lange-Nielsen Syndrome (PMID: 12051962, 19716085). ClinVar contains an entry for this variant (Variation ID: 53076). Algorithms developed to predict the effect of sequence changes on RNA splicing suggest that this variant may create or strengthen a splice site. For these reasons, this variant has been classified as Pathogenic.

Color Diagnostics, LLC DBA Color Health
Classification: Pathogenic for Cardiac arrhythmia. Last evaluated: 2025-02-03. Review status: criteria provided, single submitter. Criteria: ACMG Guidelines, 2015. Collection method: clinical testing. Allele origin: germline.
Comment: This variant deletes 1 nucleotide in exon 3 of the cytoplasmic linker of the KCNQ1 gene, creating a frameshift and premature translation stop signal. This variant is expected to result in an absent or non-functional protein product. This variant has been reported in individuals with suspected long QT syndrome (PMID: 19716085, 31229680). It has also been reported in a biallelic individual with severe phenotype (PMID: 12051962). This variant has not been identified in the general population by the Genome Aggregation Database (gnomAD). Loss of KCNQ1 function is a known mechanism of disease. Based on the available evidence, this variant is classified as Pathogenic.

Ambry Genetics
Classification: Pathogenic for Cardiovascular phenotype. Last evaluated: 2024-11-25. Review status: criteria provided, single submitter. Criteria: Ambry Variant Classification Scheme 2023. Collection method: clinical testing. Allele origin: germline.
Comment: The c.585delG pathogenic mutation, located in coding exon 3 of the KCNQ1 gene, results from a deletion of one nucleotide at nucleotide position 585, causing a translational frameshift with a predicted alternate stop codon (p.K196Sfs*41). This variant was reported in individual(s) with features consistent with long QT syndrome (Kapplinger JD et al. Heart Rhythm, 2009 Sep;6:1297-303). This variant has been identified in the homozygous state and/or in conjunction with other KCNQ1 variant(s) in individual(s) with features consistent with Jervell and Lange-Nielsen syndrome (Wang Z et al. Mol. Genet. Metab., 2002 Apr;75:308-16). This variant is considered to be rare based on population cohorts in the Genome Aggregation Database (gnomAD). In addition to the clinical data presented in the literature, this alteration is expected to result in loss of function by premature protein truncation or nonsense-mediated mRNA decay. As such, this alteration is interpreted as a disease-causing mutation.

All of Us Research Program, National Institutes of Health
Classification: Pathogenic for Long QT syndrome. Last evaluated: 2023-08-23. Review status: criteria provided, single submitter. Criteria: ACMG Guidelines, 2015. Collection method: clinical testing. Allele origin: germline. Inheritance: Autosomal dominant inheritance. Observed: 2 variant alleles, 2 heterozygotes.
Comment: This variant deletes 1 nucleotide in exon 3 of the cytoplasmic linker of the KCNQ1 gene, creating a frameshift and premature translation stop signal. This variant is expected to result in an absent or non-functional protein product. This variant has been reported in individuals with suspected long QT syndrome (PMID: 19716085, 31229680). It has also been reported in a biallelic individual with severe phenotype (PMID: 12051962). This variant has not been identified in the general population by the Genome Aggregation Database (gnomAD). Loss of KCNQ1 function is a known mechanism of disease. Based on the available evidence, this variant is classified as Pathogenic.

This study involves interpretation of variants in research participants for the purpose of population health screening. Participant phenotype was not available at the time of variant classification. Additional details can be found in publication PMID: 35346344, PMCID: PMC8962531

GeneDx
Classification: Pathogenic. Last evaluated: 2022-10-05. Review status: criteria provided, single submitter. Criteria: GeneDx Variant Classification Process June 2021. Collection method: clinical testing. Allele origin: germline. Affected: yes.
Comment: Not observed at significant frequency in large population cohorts (gnomAD); Frameshift variant predicted to result in protein truncation or nonsense mediated decay in a gene for which loss-of-function is a known mechanism of disease; This variant is associated with the following publications: (PMID: 22629021, 19716085, 18441444, 25649125, 31229680, 31447099, 34411974, 12051962)

Mayo Clinic Laboratories, Mayo Clinic
Classification: Pathogenic. Last evaluated: 2022-05-04. Review status: criteria provided, single submitter. Criteria: ACMG Guidelines, 2015. Collection method: clinical testing. Allele origin: germline. Observed: 1 variant allele.
Comment: PM2, PM3, PVS1

ARUP Laboratories, Molecular Genetics and Genomics, ARUP Laboratories
Classification: Pathogenic. Last evaluated: 2020-12-08. Review status: criteria provided, single submitter. Criteria: ARUP Molecular Germline Variant Investigation Process 2021. Collection method: clinical testing. Allele origin: germline.
Comment: The KCNQ1 c.585delG; p.Lys196SerfsTer41 variant (rs397508120) is reported in the literature in multiple individuals affected with long QT syndrome (Kapplinger 2009), as well as a proband with Jervell and Lange-Nielsen syndrome in trans to a second pathogenic variant (Wang 2002). The c.585delG variant is absent from general population databases (Exome Variant Server, Genome Aggregation Database), indicating it is not a common polymorphism. This variant causes a frameshift by deleting a single nucleotide, so it is predicted to result in a truncated protein or mRNA subject to nonsense-mediated decay. Based on available information, this variant is considered to be pathogenic. References: Kapplinger et al., Spectrum and prevalence of mutations from the first 2,500 consecutive unrelated patients referred for the FAMILION long QT syndrome genetic test. Heart Rhythm. 2009 Sep;6(9):1297-303. Wang et al., Compound heterozygous mutations in KvLQT1 cause Jervell and Lange-Nielsen syndrome. Mol Genet Metab. 2002 Apr;75(4):308-16.

Laboratory for Molecular Medicine, Mass General Brigham Personalized Medicine
Classification: Pathogenic for Familial long QT syndrome. Last evaluated: 2019-04-10. Review status: criteria provided, single submitter. Criteria: LMM Criteria. Collection method: clinical testing. Allele origin: germline. Inheritance: Autosomal dominant inheritance. Observed: 4 variant alleles.
Comment: The p.Lys196fs variant has been previously reported in the heterozygous state in 4 individuals referred for genetic testing for long QT syndrome (LQTS; Kapplinger 2009) and in the compound heterozygous state in 1 individual with Jervell and Lange-Nielsen syndrome (JLNS; Wang 2002). It has also been reported by other clinical laboratories in ClinVar (Variant ID# 53076) and is absent from large population studies. This variant is predicted to cause a frameshift, which alters the protein's amino acid sequence beginning at codon 196 and leads to a premature stop codon 41 amino acids downstream. This alteration is then predicted to lead to a truncated or absent protein. Dominant-negative and loss-of-function variants in KCNQ1 cause autosomal dominant LQTS, also known as Romano-Ward syndrome (RWS). In addition, loss of function variants in KCNQ1 also cause autosomal recessive Jervell and Lange-Nielsen syndrome (JLNS). In summary, the p.Lys196fs variant meets criteria to be classified as pathogenic for dominant LQTS and recessive JLNS. ACMG/AMP Criteria applied: PVS1, PM2, PS4_Supporting, PM3_Supporting

Stanford Center for Inherited Cardiovascular Disease, Stanford University
Classification: Pathogenic. Last evaluated: 2012-09-12. Review status: criteria provided, single submitter. Criteria: ACMG Guidelines, 2015. Collection method: provider interpretation. Allele origin: germline.

Literature cited by the submitters: PubMed 9323054 (cited by Labcorp Genetics (formerly Invitae), Labcorp); PubMed 19862833 (cited by Labcorp Genetics (formerly Invitae), Labcorp); PubMed 12051962 (cited by 6 submitters); PubMed 19716085 (cited by 6 submitters); PubMed 31229680 (cited by Color Diagnostics, LLC DBA Color Health and All of Us Research Program, National Institutes of Health); PubMed 34411974 (cited by Mayo Clinic Laboratories, Mayo Clinic).

NM_000218.3(KCNQ1):c.585del (p.Lys196fs)

Gene: KCNQ1 (potassium voltage-gated channel subfamily Q member 1; plus strand). Cytogenetic location: 11p15.5.
Variant type: Deletion.
Coding change: c.585del on transcript NM_000218.3 (MANE Select); coding-DNA position 585, one base deleted (G; older notation c.585delG).
Protein change: p.Lys196fs; shifts the reading frame from lysine 196.
Molecular consequence: frameshift variant.
Genome position (GRCh38, 1-based): chr11:2,570,735, G deleted; the last of 2 consecutive G bases (chr11:2,570,734-2,570,735); deleting either gives the same sequence. VCF-style (leftmost placement, unchanged base first): chr11-2570733-CG-C. GRCh37 (hg19) VCF-style: chr11-2591963-CG-C.
Other names: p.Lys196Serfs*41; c.584delG (NM_000218.2); c.585delG, p.Lys196Serfs (NM_000218.2, NM_001406836.1); c.315delG, p.Lys106Serfs (NM_001406837.1); c.204delG, p.Lys69Serfs (NM_181798.2); short protein forms K69fs, K196fs.
Identifiers: ClinVar variation 53076 (VCV000053076.35), dbSNP rs397508120, ClinGen allele CA007649.